The following is an entry in ClinVar:

NM_022455.5(NSD1):c.3026G>T (p.Gly1009Val)

Gene: NSD1 (nuclear receptor binding SET domain protein 1; plus strand). Cytogenetic location: 5q35.3.
Variant type: single nucleotide variant.
Coding change: c.3026G>T on transcript NM_022455.5 (MANE Select); coding-DNA position 3026, G replaced by T.
Protein change: p.Gly1009Val; replaces glycine 1009 with valine.
Molecular consequence: missense variant.
Genome position (GRCh38, 1-based): chr5:177,211,425, G>T. VCF-style: chr5-177211425-G-T. GRCh37 (hg19) VCF-style: chr5-176638426-G-T.
Other names: c.2153G>T, p.Gly718Val (NM_001365684.2, NM_001409306.1, NM_001409307.1 and 3 more transcripts); c.3026G>T, p.Gly1009Val (NM_001409301.1, NM_001409302.1, NM_001409303.1); c.2606G>T, p.Gly869Val (NM_001409304.1); c.2273G>T, p.Gly758Val (NM_001409305.1); short protein forms G1009V, G718V, G758V, G869V.
Identifiers: ClinVar variation 4807079 (VCV004807079.1).
Genomic context (GRCh38, chr5:177,211,425, plus strand): 5'-GCGAGTTGTCTGCTTCCCTACCTGGCTTACTGTCCGACAAGAGAGACCTCCCTGCTTCTG[G>T]TAAAAGTCGTTCAGACTGTGTTACTAGGCGCAACTGTGGACGATCAAAGCCTTCATCCAA-3'
Protein context (NP_071900.2, residues 999-1019): LSDKRDLPAS[Gly1009Val]KSRSDCVTRR

ClinVar aggregate classification (germline): Uncertain significance (1 of 4 stars; one submission).

Submission:

Labcorp Genetics (formerly Invitae), Labcorp
Classification: Uncertain significance. Last evaluated: 2025-07-14. Review status: criteria provided, single submitter. Criteria: Invitae Variant Classification Sherloc (09022015). Collection method: clinical testing. Allele origin: germline.
Comment: This sequence change replaces glycine, which is neutral and non-polar, with valine, which is neutral and non-polar, at codon 1009 of the NSD1 protein (p.Gly1009Val). This variant is not present in population databases (gnomAD no frequency). This variant has not been reported in the literature in individuals affected with NSD1-related conditions. Invitae Evidence Modeling of protein sequence and biophysical properties (such as structural, functional, and spatial information, amino acid conservation, physicochemical variation, residue mobility, and thermodynamic stability) indicates that this missense variant is not expected to disrupt NSD1 protein function with a negative predictive value of 95%. In summary, the available evidence is currently insufficient to determine the role of this variant in disease. Therefore, it has been classified as a Variant of Uncertain Significance.